The following is an entry in ClinVar:

NM_138420.4(AHNAK2):c.7323C>T (p.Asp2441=)

Gene: AHNAK2 (AHNAK nucleoprotein 2; minus strand). Cytogenetic location: 14q32.33.
Variant type: single nucleotide variant.
Coding change: c.7323C>T on transcript NM_138420.4 (MANE Select); coding-DNA position 7323, C replaced by T.
Protein change: p.Asp2441=; no amino-acid change (aspartic acid 2441 retained).
Molecular consequence: synonymous variant.
Genome position (GRCh38, 1-based): chr14:104,948,128, G>A on the plus strand (C>T on the coding strand, the complement: AHNAK2 is on the minus strand). VCF-style: chr14-104948128-G-A. GRCh37 (hg19) VCF-style: chr14-105414465-G-A.
Other names: c.7023C>T, p.Asp2341= (NM_001350929.2).
Identifiers: ClinVar variation 2644728 (VCV002644728.24), dbSNP rs747170564, ClinGen allele CA7380646.

ClinVar aggregate classification (germline): Likely benign (1 of 4 stars; one submission).

Allele frequency attached by ClinVar (database versions not stated): ExAC 0.00003.

Submission:

CeGaT Center for Human Genetics Tuebingen
Classification: Likely benign. Last evaluated: 2023-04-01. Review status: criteria provided, single submitter. Criteria: CeGaT Center For Human Genetics Tuebingen Variant Classification Criteria Version 2. Collection method: clinical testing. Allele origin: germline. Affected: yes. Observed: 1 variant allele.
Comment: AHNAK2: BP4, BP7